The following is an entry in ClinVar:

NM_001367873.1(SOX6):c.1188_1192del (p.Thr397fs)

Gene: SOX6 (SRY-box transcription factor 6; minus strand). Cytogenetic location: 11p15.2.
Variant type: Deletion.
Coding change: c.1188_1192del on transcript NM_001367873.1 (MANE Select); coding-DNA positions 1188 to 1192, 5 bases deleted (GACGG; older notation c.1188_1192delGACGG).
Protein change: p.Thr397fs; shifts the reading frame from threonine 397.
Molecular consequence: frameshift variant.
Genome position (GRCh38, 1-based): chr11:16,055,811-16,055,815, CCGTC deleted on the plus strand (GACGG on the coding strand, the reverse complement: SOX6 is on the minus strand); deleting any 5 consecutive bases within chr11:16,055,811-16,055,817 gives the same sequence; the c. name uses the placement nearest the transcript's 3' end. VCF-style (leftmost placement, unchanged base first): chr11-16055810-ACCGTC-A. GRCh37 (hg19) VCF-style: chr11-16077356-ACCGTC-A.
Other names: c.1065_1069del, p.Thr356fs (NM_001145811.2, NM_001367872.1, NM_017508.3); c.1188_1192del, p.Thr397fs (NM_001145819.2, NM_033326.3); short protein forms T356fs, T397fs.
Identifiers: ClinVar variation 3365964 (VCV003365964.1).
Genomic context (GRCh38, chr11:16,055,810, plus strand): 5'-ACCTTAACTTGAGTTACAGGGCTGGTCCCTCTCTTTTCATTTTTTATCCCAGTAGGTGAG[ACCGTC>A]CCTGCTGTGTTTGGTGGCTGTGGAGTTGATGGCATCTTTGCTCCAGGTGACACCTGCATG-3'

ClinVar aggregate classification (germline): Pathogenic (1 of 4 stars; one submission).

Submission:

GeneDx
Classification: Pathogenic. Last evaluated: 2023-12-18. Review status: criteria provided, single submitter. Criteria: GeneDx Variant Classification Process June 2021. Collection method: clinical testing. Allele origin: germline. Affected: yes.
Comment: Frameshift variant predicted to result in protein truncation or nonsense mediated decay in a gene for which loss of function is a known mechanism of disease; Not observed at significant frequency in large population cohorts (gnomAD); Has not been previously published as pathogenic or benign to our knowledge